The following is an entry in ClinVar:

ClinVar aggregate classification (germline): Uncertain significance. Review status: criteria provided, multiple submitters, no conflicts (2 of 4 stars). 2 submissions from 2 submitters: Uncertain significance (2). Last evaluated 2024-05-15.

Conditions:
Marfan syndrome (MFS). Also called: Marfan syndrome type 1; Marfan's syndrome; FBN1-Related Marfan Syndrome; MARFAN SYNDROME, TYPE I; Marfan syndrome, classic. Identifiers: Orphanet 284963, Orphanet 558, MedGen C0024796, MONDO:0007947, OMIM 154700.
Familial thoracic aortic aneurysm and aortic dissection (TAAD). Also called: Thoracic aortic aneurysms and dissections. Identifiers: Orphanet 91387, MedGen C4707243, MONDO:0019625.

Submissions (2):

Labcorp Genetics (formerly Invitae), Labcorp
Classification: Uncertain significance for Marfan syndrome; Familial thoracic aortic aneurysm and aortic dissection. Last evaluated: 2024-05-15. Review status: criteria provided, single submitter. Criteria: Invitae Variant Classification Sherloc (09022015). Collection method: clinical testing. Allele origin: germline.
Comment: This sequence change replaces glutamic acid, which is acidic and polar, with lysine, which is basic and polar, at codon 638 of the FBN1 protein (p.Glu638Lys). This variant is not present in population databases (gnomAD no frequency). This variant has not been reported in the literature in individuals affected with FBN1-related conditions. ClinVar contains an entry for this variant (Variation ID: 1332614). Advanced modeling of protein sequence and biophysical properties (such as structural, functional, and spatial information, amino acid conservation, physicochemical variation, residue mobility, and thermodynamic stability) has been performed at Invitae for this missense variant, however the output from this modeling did not meet the statistical confidence thresholds required to predict the impact of this variant on FBN1 protein function. In summary, the available evidence is currently insufficient to determine the role of this variant in disease. Therefore, it has been classified as a Variant of Uncertain Significance.

Color Diagnostics, LLC DBA Color Health
Classification: Uncertain significance for Familial thoracic aortic aneurysm and aortic dissection. Last evaluated: 2024-03-06. Review status: criteria provided, single submitter. Criteria: ACMG Guidelines, 2015. Collection method: clinical testing. Allele origin: germline.
Comment: This missense variant replaces glutamic acid with lysine at codon 638 of the FBN1 protein. Computational prediction suggests that this variant may have deleterious impact on protein structure and function (internally defined REVEL score threshold >= 0.7, PMID: 27666373). To our knowledge, functional studies have not been reported for this variant. This variant has not been reported in individuals affected with cardiovascular disorders in the literature. This variant has not been identified in the general population by the Genome Aggregation Database (gnomAD). The available evidence is insufficient to determine the role of this variant in disease conclusively. Therefore, this variant is classified as a Variant of Uncertain Significance.

NM_000138.5(FBN1):c.1912G>A (p.Glu638Lys)

Gene: FBN1 (fibrillin 1; minus strand). Cytogenetic location: 15q21.1.
Variant type: single nucleotide variant.
Coding change: c.1912G>A on transcript NM_000138.5 (MANE Select); coding-DNA position 1912, G replaced by A.
Protein change: p.Glu638Lys; replaces glutamic acid 638 with lysine.
Molecular consequence: missense variant.
Genome position (GRCh38, 1-based): chr15:48,505,073, C>T on the plus strand (G>A on the coding strand, the complement: FBN1 is on the minus strand). VCF-style: chr15-48505073-C-T. GRCh37 (hg19) VCF-style: chr15-48797270-C-T.
Other names: short protein forms E638K.
Identifiers: ClinVar variation 1332614 (VCV001332614.6), dbSNP rs2141317254, ClinGen allele CA392339052.